The following is an entry in ClinVar:

ClinVar aggregate classification (germline): Uncertain significance (1 of 4 stars; one submission).

Conditions:
Emery-Dreifuss muscular dystrophy (EDMD). Also called: Scapuloperoneal syndrome, X-linked (formerly); Humeroperoneal neuromuscular disease, (formerly). Identifiers: Orphanet 261, MedGen C0410189, MONDO:0016830.

Allele frequency attached by ClinVar (database versions not stated): TOPMed 0.00021.
gnomAD v4.1: 284 of 1,592,850 alleles (0.018%); highest among the groups gnomAD compares: Non-Finnish European, 0.024%; no homozygotes.

Submission:

Labcorp Genetics (formerly Invitae), Labcorp
Classification: Uncertain significance for Emery-Dreifuss muscular dystrophy. Last evaluated: 2025-08-25. Review status: criteria provided, single submitter. Criteria: Invitae Variant Classification Sherloc (09022015). Collection method: clinical testing. Allele origin: germline.
Comment: This sequence change replaces valine, which is neutral and non-polar, with leucine, which is neutral and non-polar, at codon 449 of the SUN2 protein (p.Val449Leu). This variant is present in population databases (rs117350165, gnomAD 0.03%). This variant has not been reported in the literature in individuals affected with SUN2-related conditions. ClinVar contains an entry for this variant (Variation ID: 862265). An algorithm developed to predict the effect of missense changes on protein structure and function outputs the following: PolyPhen-2: "Benign". The leucine amino acid residue is found in multiple mammalian species, which suggests that this missense change does not adversely affect protein function. In summary, the available evidence is currently insufficient to determine the role of this variant in disease. Therefore, it has been classified as a Variant of Uncertain Significance.

NM_015374.3(SUN2):c.1345G>C (p.Val449Leu)

Genes: GTPBP1 (GTP binding protein 1; plus strand), SUN2 (Sad1 and UNC84 domain containing 2; minus strand). Cytogenetic location: 22q13.1.
Variant type: single nucleotide variant.
Coding change: c.1345G>C on transcript NM_015374.3 (MANE Select); coding-DNA position 1345, G replaced by C.
Protein change: p.Val449Leu; replaces valine 449 with leucine.
Molecular consequence: missense variant.
Genome position (GRCh38, 1-based): chr22:38,740,278, C>G on the plus strand (G>C on the coding strand, the complement: SUN2 is on the minus strand). VCF-style: chr22-38740278-C-G. GRCh37 (hg19) VCF-style: chr22-39136283-C-G.
Other names: c.1408G>C, p.Val470Leu (NM_001199579.2); c.1345G>C, p.Val449Leu (NM_001199580.2); short protein forms V470L, V449L.
Identifiers: ClinVar variation 862265 (VCV000862265.6), dbSNP rs117350165, ClinGen allele CA10235595.